The following is an entry in ClinVar:

ClinVar aggregate classification (germline): Uncertain significance (1 of 4 stars; one submission).

Conditions:
RPGRIP1L-related disorder. Also called: RPGRIP1L-related disorders; RPGRIP1L-related condition. Identifiers: MedGen CN239416.

gnomAD v4.1: 3 of 1,610,864 alleles (0.00019%); highest among the groups gnomAD compares: Non-Finnish European, 0.00025%; no homozygotes.

Submission:

PreventionGenetics, part of Exact Sciences
Classification: Uncertain significance for RPGRIP1L-related condition. Last evaluated: 2026-06-17. Review status: criteria provided, single submitter. Criteria: ACMG Guidelines, 2015. Collection method: clinical testing. Allele origin: germline.
Comment: The RPGRIP1L c.3196A>G variant is predicted to result in the amino acid substitution p.Ile1066Val. To our knowledge, this variant has not been reported in the literature. This variant is reported in 0.00088% of alleles in individuals of European (Non-Finnish) descent in gnomAD. At this time, the clinical significance of this variant is uncertain due to the absence of conclusive functional and genetic evidence.

NM_015272.5(RPGRIP1L):c.3196A>G (p.Ile1066Val)

Gene: RPGRIP1L (RPGRIP1 like; minus strand). Cytogenetic location: 16q12.2.
Variant type: single nucleotide variant.
Coding change: c.3196A>G on transcript NM_015272.5 (MANE Select); coding-DNA position 3196, A replaced by G.
Protein change: p.Ile1066Val; replaces isoleucine 1066 with valine.
Molecular consequence: missense variant.
Genome position (GRCh38, 1-based): chr16:53,637,719, T>C on the plus strand (A>G on the coding strand, the complement: RPGRIP1L is on the minus strand). VCF-style: chr16-53637719-T-C. GRCh37 (hg19) VCF-style: chr16-53671631-T-C.
Other names: c.3094A>G, p.Ile1032Val (NM_001127897.4, NM_001330538.2); c.3196A>G, p.Ile1066Val (NM_001308334.3); short protein forms I1066V, I1032V.
Identifiers: ClinVar variation 4999609 (VCV004999609.1).